The following is an entry in ClinVar:

ClinVar aggregate classification (germline): Uncertain significance. Review status: criteria provided, multiple submitters, no conflicts (2 of 4 stars). 2 submissions from 2 submitters: Uncertain significance (2). Last evaluated 2024-05-10.

Conditions:
Inborn genetic diseases. Identifiers: MedGen C0950123, MeSH D030342.

Allele frequency attached by ClinVar (database versions not stated): gnomAD exomes below 0.00001; TOPMed below 0.00001; gnomAD 0.00001.
gnomAD v4.1: 4 of 1,614,004 alleles (0.00025%); highest among the groups gnomAD compares: Non-Finnish European, 0.00034%; no homozygotes.

Submissions (2):

Ambry Genetics
Classification: Uncertain significance for Inborn genetic diseases. Last evaluated: 2024-05-10. Review status: criteria provided, single submitter. Criteria: Ambry Variant Classification Scheme 2023. Collection method: clinical testing. Allele origin: germline.

GeneDx
Classification: Uncertain significance. Last evaluated: 2017-04-12. Review status: criteria provided, single submitter. Criteria: GeneDx Variant Classification (06012015). Collection method: clinical testing. Allele origin: germline. Affected: yes.
Comment: A variant of uncertain significance has been identified in the GRIN2B gene. The S312N variant has not been published as a pathogenic variant, nor has it been reported as a benign variant to our knowledge. The S312N variant is not observed in large population cohorts (Lek et al., 2016; 1000 Genomes Consortium et al., 2015; Exome Variant Server). This substitution occurs at a position that is conserved in mammals; however, Asparagine is observed at this position in evolution. The S312N variant is a conservative amino acid substitution, which is not likely to impact secondary protein structure as these residues share similar properties. In silico analysis is inconsistent in its predictions as to whether or not the variant is damaging to the protein structure/function. Therefore, based on the currently available information, it is unclear whether this variant is a pathogenic variant or a rare benign variant.

NM_000834.5(GRIN2B):c.935G>A (p.Ser312Asn)

Gene: GRIN2B (glutamate ionotropic receptor NMDA type subunit 2B; minus strand). Cytogenetic location: 12p13.1.
Variant type: single nucleotide variant.
Coding change: c.935G>A on transcript NM_000834.5 (MANE Select); coding-DNA position 935, G replaced by A.
Protein change: p.Ser312Asn; replaces serine 312 with asparagine.
Molecular consequence: missense variant.
Genome position (GRCh38, 1-based): chr12:13,753,392, C>T on the plus strand (G>A on the coding strand, the complement: GRIN2B is on the minus strand). VCF-style: chr12-13753392-C-T. GRCh37 (hg19) VCF-style: chr12-13906326-C-T.
Other names: short protein forms S312N.
Identifiers: ClinVar variation 426563 (VCV000426563.3), dbSNP rs1085307687, ClinGen allele CA384053113.